The following is an entry in ClinVar:

NM_006514.4(SCN10A):c.4526G>A (p.Gly1509Asp)

Gene: SCN10A (sodium voltage-gated channel alpha subunit 10; minus strand). Cytogenetic location: 3p22.2.
Variant type: single nucleotide variant.
Coding change: c.4526G>A on transcript NM_006514.4 (MANE Select); coding-DNA position 4526, G replaced by A.
Protein change: p.Gly1509Asp; replaces glycine 1509 with aspartic acid.
Molecular consequence: missense variant.
Genome position (GRCh38, 1-based): chr3:38,701,970, C>T on the plus strand (G>A on the coding strand, the complement: SCN10A is on the minus strand). VCF-style: chr3-38701970-C-T. GRCh37 (hg19) VCF-style: chr3-38743461-C-T.
Other names: c.4523G>A, p.Gly1508Asp (NM_001293306.2); c.4232G>A, p.Gly1411Asp (NM_001293307.2); short protein forms G1411D, G1508D, G1509D.
Identifiers: ClinVar variation 3225664 (VCV003225664.3), dbSNP rs924858573, ClinGen allele CA72945544.
Genomic context (GRCh38, chr3:38,701,970, plus strand): 5'-GCGAACATCTTCATGACACATTCGCCTGTGAAGACGGCCACAAAGAACTGGTTGATTTTG[C>T]CCAGAATTTTCGTCTTTTCTTCACTTTGGTCATCAGTCTCCACCATCATGGTGATCATGT-3'
Protein context (NP_006505.4, residues 1499-1519): DQSEEKTKIL[Gly1509Asp]KINQFFVAVF

ClinVar aggregate classification (germline): Uncertain significance. Review status: criteria provided, multiple submitters, no conflicts (2 of 4 stars). 2 submissions from 2 submitters: Uncertain significance (2). Last evaluated 2026-01-27.

Conditions:
Brugada syndrome. Also called: Sudden unexplained nocturnal death syndrome; Sudden unexpected nocturnal death syndrome; Sudden Unexplained Death Syndrome; Sudden Unexplained Nocturnal Death Syndrome (SUNDS). Identifiers: Orphanet 130, MedGen C1142166, MONDO:0015263.
Cardiovascular phenotype. Identifiers: MedGen CN230736.

Allele frequency attached by ClinVar (database versions not stated): TOPMed below 0.00001.
gnomAD v4.1: 3 of 1,614,138 alleles (0.00019%); highest among the groups gnomAD compares: Non-Finnish European, 0.00025%; no homozygotes.

Submissions (2):

Labcorp Genetics (formerly Invitae), Labcorp
Classification: Uncertain significance for Brugada syndrome. Last evaluated: 2026-01-27. Review status: criteria provided, single submitter. Criteria: Invitae Variant Classification Sherloc (09022015). Collection method: clinical testing. Allele origin: germline.
Comment: This sequence change replaces glycine, which is neutral and non-polar, with aspartic acid, which is acidic and polar, at codon 1509 of the SCN10A protein (p.Gly1509Asp). This variant is not present in population databases (gnomAD no frequency). This variant has not been reported in the literature in individuals affected with SCN10A-related conditions. ClinVar contains an entry for this variant (Variation ID: 3225664). Invitae Evidence Modeling of protein sequence and biophysical properties (such as structural, functional, and spatial information, amino acid conservation, physicochemical variation, residue mobility, and thermodynamic stability) indicates that this missense variant is not expected to disrupt SCN10A protein function with a negative predictive value of 80%. In summary, the available evidence is currently insufficient to determine the role of this variant in disease. Therefore, it has been classified as a Variant of Uncertain Significance.

Ambry Genetics
Classification: Uncertain significance for Cardiovascular phenotype. Last evaluated: 2025-07-15. Review status: criteria provided, single submitter. Criteria: Ambry Variant Classification Scheme 2023. Collection method: clinical testing. Allele origin: germline.